The following is an entry in ClinVar:

NM_000030.3(AGXT):c.1153C>T (p.Gln385Ter)

Gene: AGXT (alanine--glyoxylate aminotransferase; plus strand). Cytogenetic location: 2q37.3.
Variant type: single nucleotide variant.
Coding change: c.1153C>T on transcript NM_000030.3 (MANE Select); coding-DNA position 1153, C replaced by T.
Protein change: p.Gln385Ter; replaces glutamine 385 with a stop codon.
Molecular consequence: nonsense.
Genome position (GRCh38, 1-based): chr2:240,878,795, C>T. VCF-style: chr2-240878795-C-T. GRCh37 (hg19) VCF-style: chr2-241818212-C-T.
Other names: short protein forms Q385*.
Identifiers: ClinVar variation 2916735 (VCV002916735.3), dbSNP rs943335449, ClinGen allele CA351319867.

ClinVar aggregate classification (germline): Pathogenic (1 of 4 stars; one submission).

Submission:

Labcorp Genetics (formerly Invitae), Labcorp
Classification: Pathogenic. Last evaluated: 2023-08-07. Review status: criteria provided, single submitter. Criteria: Invitae Variant Classification Sherloc (09022015). Collection method: clinical testing. Allele origin: germline.
Comment: This variant has not been reported in the literature in individuals affected with AGXT-related conditions. This variant is not present in population databases (gnomAD no frequency). This sequence change creates a premature translational stop signal (p.Gln385*) in the AGXT gene. While this is not anticipated to result in nonsense mediated decay, it is expected to disrupt the last 8 amino acid(s) of the AGXT protein. For these reasons, this variant has been classified as Pathogenic. This variant disrupts a region of the AGXT protein in which other variant(s) (p.Cys387*) have been determined to be pathogenic (PMID: 30488096, 32556641). This suggests that this is a clinically significant region of the protein, and that variants that disrupt it are likely to be disease-causing.

Literature cited by the submitters: PubMed 30488096; PubMed 32556641.